The following is an entry in ClinVar:

NM_015909.4(NBAS):c.760G>T (p.Gly254Cys)

Gene: NBAS (NBAS subunit of NRZ tethering complex; minus strand). Cytogenetic location: 2p24.3.
Variant type: single nucleotide variant.
Coding change: c.760G>T on transcript NM_015909.4 (MANE Select); coding-DNA position 760, G replaced by T.
Protein change: p.Gly254Cys; replaces glycine 254 with cysteine.
Molecular consequence: missense variant. On other transcripts: non-coding transcript variant (1).
Genome position (GRCh38, 1-based): chr2:15,511,337, C>A on the plus strand (G>T on the coding strand, the complement: NBAS is on the minus strand). VCF-style: chr2-15511337-C-A. GRCh37 (hg19) VCF-style: chr2-15651461-C-A.
Other names: c.760G>T (NM_015909.3); short protein forms G254C.
Identifiers: ClinVar variation 2067710 (VCV002067710.2), dbSNP rs943983573, ClinGen allele CA42647749.

ClinVar aggregate classification (germline): Uncertain significance. Review status: criteria provided, multiple submitters, no conflicts (2 of 4 stars). 2 submissions from 2 submitters: Uncertain significance (2). Last evaluated 2025-12-10.

Conditions:
NBAS-related disorder. Also called: NBAS-related condition.

Allele frequency attached by ClinVar (database versions not stated): gnomAD 0.00001; TOPMed 0.00001.
gnomAD v4.1: 17 of 1,613,666 alleles (0.0011%); highest among the groups gnomAD compares: Admixed American, 0.0017%; no homozygotes.

Submissions (2):

PreventionGenetics, part of Exact Sciences
Classification: Uncertain significance for NBAS-related condition. Last evaluated: 2025-12-10. Review status: criteria provided, single submitter. Criteria: ACMG Guidelines, 2015. Collection method: clinical testing. Allele origin: germline.
Comment: The NBAS c.760G>T variant is predicted to result in the amino acid substitution p.Gly254Cys. To our knowledge, this variant has not been reported in the literature. This variant is reported in 0.0028% of alleles in individuals of Latino descent in gnomAD. At this time, the clinical significance of this variant is uncertain due to the absence of conclusive functional and genetic evidence.

Labcorp Genetics (formerly Invitae), Labcorp
Classification: Uncertain significance. Last evaluated: 2022-02-25. Review status: criteria provided, single submitter. Criteria: Invitae Variant Classification Sherloc (09022015). Collection method: clinical testing. Allele origin: germline.
Comment: This sequence change replaces glycine, which is neutral and non-polar, with cysteine, which is neutral and slightly polar, at codon 254 of the NBAS protein (p.Gly254Cys). This variant is present in population databases (no rsID available, gnomAD 0.003%). This variant has not been reported in the literature in individuals affected with NBAS-related conditions. Algorithms developed to predict the effect of missense changes on protein structure and function (SIFT, PolyPhen-2, Align-GVGD) all suggest that this variant is likely to be disruptive. In summary, the available evidence is currently insufficient to determine the role of this variant in disease. Therefore, it has been classified as a Variant of Uncertain Significance.